The following is an entry in ClinVar:

NM_005591.4(MRE11):c.527T>G (p.Ile176Ser)

Gene: MRE11 (MRE11 double strand break repair nuclease; minus strand). Cytogenetic location: 11q21.
Variant type: single nucleotide variant.
Coding change: c.527T>G on transcript NM_005591.4 (MANE Select); coding-DNA position 527, T replaced by G.
Protein change: p.Ile176Ser; replaces isoleucine 176 with serine.
Molecular consequence: missense variant.
Genome position (GRCh38, 1-based): chr11:94,478,752, A>C on the plus strand (T>G on the coding strand, the complement: MRE11 is on the minus strand). VCF-style: chr11-94478752-A-C. GRCh37 (hg19) VCF-style: chr11-94211918-A-C.
Other names: c.527T>G, p.Ile176Ser (NM_001330347.2, NM_005590.4); short protein forms I176S.
Identifiers: ClinVar variation 1681624 (VCV001681624.8), dbSNP rs2135084831, ClinGen allele CA382377274.

ClinVar aggregate classification (germline): Uncertain significance (1 of 4 stars; one submission).

Conditions:
Ataxia-telangiectasia-like disorder (ATLD). Identifiers: MedGen C1858391, MONDO:0011457.

Submission:

Labcorp Genetics (formerly Invitae), Labcorp
Classification: Uncertain significance for Ataxia-telangiectasia-like disorder. Last evaluated: 2021-06-17. Review status: criteria provided, single submitter. Criteria: Invitae Variant Classification Sherloc (09022015). Collection method: clinical testing. Allele origin: germline.
Comment: In summary, the available evidence is currently insufficient to determine the role of this variant in disease. Therefore, it has been classified as a Variant of Uncertain Significance. Algorithms developed to predict the effect of sequence changes on RNA splicing suggest that this variant may create or strengthen a splice site, but this prediction has not been confirmed by published transcriptional studies. Algorithms developed to predict the effect of missense changes on protein structure and function (SIFT, PolyPhen-2, Align-GVGD) all suggest that this variant is likely to be disruptive, but these predictions have not been confirmed by published functional studies and their clinical significance is uncertain. This variant has not been reported in the literature in individuals with MRE11-related conditions. This variant is not present in population databases (ExAC no frequency). This sequence change replaces isoleucine with serine at codon 176 of the MRE11 protein (p.Ile176Ser). The isoleucine residue is moderately conserved and there is a large physicochemical difference between isoleucine and serine.